The following is an entry in ClinVar:

ClinVar aggregate classification (germline): Uncertain significance (1 of 4 stars; one submission).

Conditions:
COG1 congenital disorder of glycosylation (CDG2G). Also called: CDG IIg; CDGII/COG1 CEREBROCOSTOMANDIBULAR-LIKE SYNDROME; CONGENITAL DISORDER OF GLYCOSYLATION, TYPE IIg. Identifiers: Orphanet 263508, MedGen C2931011, MONDO:0012637, OMIM 611209.

Submission:

Labcorp Genetics (formerly Invitae), Labcorp
Classification: Uncertain significance for COG1 congenital disorder of glycosylation. Last evaluated: 2021-12-07. Review status: criteria provided, single submitter. Criteria: Invitae Variant Classification Sherloc (09022015). Collection method: clinical testing. Allele origin: germline.
Comment: This sequence change falls in intron 9 of the COG1 gene. It does not directly change the encoded amino acid sequence of the COG1 protein. Information on the frequency of this variant in the gnomAD database is not available, as this variant may be reported differently in the database. This variant has not been reported in the literature in individuals affected with COG1-related conditions. Algorithms developed to predict the effect of sequence changes on RNA splicing suggest that this variant may create or strengthen a splice site. In summary, the available evidence is currently insufficient to determine the role of this variant in disease. Therefore, it has been classified as a Variant of Uncertain Significance.

NM_018714.3(COG1):c.2383-17_2383-16inv

Gene: COG1 (component of oligomeric golgi complex 1; plus strand). Cytogenetic location: 17q25.1.
Variant type: Inversion.
Coding change: c.2383-17_2383-16inv on transcript NM_018714.3 (MANE Select).
Molecular consequence: intron variant.
Genome position: GRCh38 VCF-style: chr17-73205536-TG-CA. GRCh37 (hg19) VCF-style: chr17-71201675-TG-CA.
Identifiers: ClinVar variation 1524262 (VCV001524262.3), ClinGen allele CA2573154801.